The following is an entry in ClinVar:

ClinVar aggregate classification (germline): Uncertain significance. Review status: criteria provided, multiple submitters, no conflicts (2 of 4 stars). 2 submissions from 2 submitters: Uncertain significance (2). Last evaluated 2025-04-13.

Conditions:
Inborn genetic diseases. Identifiers: MedGen C0950123, MeSH D030342.

gnomAD v4.1: 2 of 1,612,524 alleles (0.00012%); highest among the groups gnomAD compares: Non-Finnish European, 0.00017%; no homozygotes.

Submissions (2):

Ambry Genetics
Classification: Uncertain significance for Inborn genetic diseases. Last evaluated: 2025-04-13. Review status: criteria provided, single submitter. Criteria: Ambry Variant Classification Scheme 2023. Collection method: clinical testing. Allele origin: germline.
Comment: The p.R1339K variant (also known as c.4016G>A), located in coding exon 1 of the SAMD9L gene, results from a G to A substitution at nucleotide position 4016. The arginine at codon 1339 is replaced by lysine, an amino acid with highly similar properties. This amino acid position is conserved. In addition, this alteration is predicted to be tolerated by in silico analysis. Based on the available evidence, the clinical significance of this variant remains unclear.

Labcorp Genetics (formerly Invitae), Labcorp
Classification: Uncertain significance. Last evaluated: 2023-09-08. Review status: criteria provided, single submitter. Criteria: Invitae Variant Classification Sherloc (09022015). Collection method: clinical testing. Allele origin: germline.
Comment: In summary, the available evidence is currently insufficient to determine the role of this variant in disease. Therefore, it has been classified as a Variant of Uncertain Significance. Algorithms developed to predict the effect of missense changes on protein structure and function output the following: SIFT: "Not Available"; PolyPhen-2: "Benign"; Align-GVGD: "Not Available". The lysine amino acid residue is found in multiple mammalian species, which suggests that this missense change does not adversely affect protein function. This variant has not been reported in the literature in individuals affected with SAMD9L-related conditions. This variant is not present in population databases (gnomAD no frequency). This sequence change replaces arginine, which is basic and polar, with lysine, which is basic and polar, at codon 1339 of the SAMD9L protein (p.Arg1339Lys).

NM_152703.5(SAMD9L):c.4016G>A (p.Arg1339Lys)

Gene: SAMD9L (sterile alpha motif domain containing 9 like; minus strand). Cytogenetic location: 7q21.2.
Variant type: single nucleotide variant.
Coding change: c.4016G>A on transcript NM_152703.5 (MANE Select); coding-DNA position 4016, G replaced by A.
Protein change: p.Arg1339Lys; replaces arginine 1339 with lysine.
Molecular consequence: missense variant.
Genome position (GRCh38, 1-based): chr7:93,131,956, C>T on the plus strand (G>A on the coding strand, the complement: SAMD9L is on the minus strand). VCF-style: chr7-93131956-C-T. GRCh37 (hg19) VCF-style: chr7-92761269-C-T.
Other names: c.4016G>A (NM_152703.2); c.4016G>A, p.Arg1339Lys (NM_001303496.3, NM_001303497.3, NM_001303498.3 and 5 more transcripts); short protein forms R1339K.
Identifiers: ClinVar variation 2869410 (VCV002869410.4), dbSNP rs1346276637, ClinGen allele CA368178100.